The following is an entry in ClinVar:

NM_001844.5(COL2A1):c.1241G>T (p.Gly414Val)

Gene: COL2A1 (collagen type II alpha 1 chain; minus strand). Cytogenetic location: 12q13.11.
Variant type: single nucleotide variant.
Coding change: c.1241G>T on transcript NM_001844.5 (MANE Select); coding-DNA position 1241, G replaced by T.
Protein change: p.Gly414Val; replaces glycine 414 with valine.
Molecular consequence: missense variant.
Genome position (GRCh38, 1-based): chr12:47,987,294, C>A on the plus strand (G>T on the coding strand, the complement: COL2A1 is on the minus strand). VCF-style: chr12-47987294-C-A. GRCh37 (hg19) VCF-style: chr12-48381077-C-A.
Other names: c.1034G>T, p.Gly345Val (NM_033150.3); short protein forms G345V, G414V.
Identifiers: ClinVar variation 1456262 (VCV001456262.8), dbSNP rs2136577123, ClinGen allele CA384554215.

ClinVar aggregate classification (germline): Pathogenic (1 of 4 stars; one submission).

Submission:

Labcorp Genetics (formerly Invitae), Labcorp
Classification: Pathogenic. Last evaluated: 2025-01-27. Review status: criteria provided, single submitter. Criteria: Invitae Variant Classification Sherloc (09022015). Collection method: clinical testing. Allele origin: germline.
Comment: This sequence change replaces glycine, which is neutral and non-polar, with valine, which is neutral and non-polar, at codon 414 of the COL2A1 protein (p.Gly414Val). This variant is not present in population databases (gnomAD no frequency). This missense change has been observed in individuals with Stickler syndrome (internal data). ClinVar contains an entry for this variant (Variation ID: 1456262). Invitae Evidence Modeling of protein sequence and biophysical properties (such as structural, functional, and spatial information, amino acid conservation, physicochemical variation, residue mobility, and thermodynamic stability) indicates that this missense variant is expected to disrupt COL2A1 protein function with a positive predictive value of 95%. This variant disrupts the triple helix domain of COL2A1. Glycine residues within the Gly-Xaa-Yaa repeats of the triple helix domain are required for the structure and stability of fibrillar collagens (PMID: 7695699, 8218237, 19344236). In COL2A1, variants affecting these glycine residues are significantly enriched in individuals with disease (PMID: 9016532, 17078022) compared to the general population (ExAC). For these reasons, this variant has been classified as Pathogenic.

Literature cited by the submitters: PubMed 7695699; PubMed 8218237; PubMed 19344236; PubMed 9016532; PubMed 17078022.